The following is an entry in ClinVar:

ClinVar aggregate classification (germline): Uncertain significance (1 of 4 stars; one submission).

Submission:

GeneDx
Classification: Uncertain significance. Last evaluated: 2022-09-16. Review status: criteria provided, single submitter. Criteria: GeneDx Variant Classification Process June 2021. Collection method: clinical testing. Allele origin: germline. Affected: yes.
Comment: Not observed at significant frequency in large population cohorts (gnomAD); Missense variants in this gene are often considered pathogenic (HGMD); In silico analysis supports that this missense variant has a deleterious effect on protein structure/function; Has not been previously published as pathogenic or benign to our knowledge

NM_004985.5(KRAS):c.121A>G (p.Arg41Gly)

Gene: KRAS (KRAS proto-oncogene, GTPase; minus strand). Cytogenetic location: 12p12.1.
Variant type: single nucleotide variant.
Coding change: c.121A>G on transcript NM_004985.5 (MANE Select); coding-DNA position 121, A replaced by G.
Protein change: p.Arg41Gly; replaces arginine 41 with glycine.
Molecular consequence: missense variant.
Genome position (GRCh38, 1-based): chr12:25,227,403, T>C on the plus strand (A>G on the coding strand, the complement: KRAS is on the minus strand). VCF-style: chr12-25227403-T-C. GRCh37 (hg19) VCF-style: chr12-25380337-T-C.
Other names: c.121A>G, p.Arg41Gly (NM_001369786.1, NM_001369787.1, NM_033360.4); short protein forms R41G.
Identifiers: ClinVar variation 2444789 (VCV002444789.1), dbSNP rs2548920719, ClinGen allele CA384152476.
Genomic context (GRCh38, chr12:25,227,403, plus strand): 5'-GACCTGCTGTGTCGAGAATATCCAAGAGACAGGTTTCTCCATCAATTACTACTTGCTTCC[T>C]GTAGGAATCCTGAGAAGGGAGAAACACAGTCTGGATTATTACAGTGCACCTTTTACTTCA-3'
Protein context (NP_004976.2, residues 31-51): EYDPTIEDSY[Arg41Gly]KQVVIDGETC